The following is an entry in ClinVar:

ClinVar aggregate classification (germline): Uncertain significance (1 of 4 stars; one submission).

Conditions:
GFM1-related disorder. Also called: GFM1-related condition.

gnomAD v4.1: 1 of 1,112,994 alleles (0.00009%); highest among the groups gnomAD compares: Non-Finnish European, 0.00014%; no homozygotes.

Submission:

PreventionGenetics, part of Exact Sciences
Classification: Uncertain significance for GFM1-related condition. Last evaluated: 2026-01-05. Review status: criteria provided, single submitter. Criteria: ACMG Guidelines, 2015. Collection method: clinical testing. Allele origin: germline.
Comment: The GFM1 c.689+5G>C variant is predicted to interfere with splicing. However, the use of computer prediction programs is not equivalent to functional evidence. To our knowledge, this variant has not been reported in the literature or in a large population database (gnomAD), indicating this variant is rare. At this time, the clinical significance of this variant is uncertain due to the absence of conclusive functional and genetic evidence.

NM_024996.7(GFM1):c.689+5G>C

Gene: GFM1 (G elongation factor mitochondrial 1; plus strand). Cytogenetic location: 3q25.32.
Variant type: single nucleotide variant.
Coding change: c.689+5G>C on transcript NM_024996.7 (MANE Select); 5 bases into the intron after coding-DNA position 689, G replaced by C.
Molecular consequence: intron variant.
Genome position (GRCh38, 1-based): chr3:158,649,162, G>C. VCF-style: chr3-158649162-G-C. GRCh37 (hg19) VCF-style: chr3-158366951-G-C.
Other names: c.689+5G>C (NM_001308164.2, NM_001374355.1, NM_001308166.2); c.464+5G>C (NM_001374357.1); c.572+2215G>C (NM_001374356.1); c.122+5G>C (NM_001374359.1, NM_001374360.1); c.6-2934G>C (NM_001374361.1); c.235-2938G>C (NM_001374358.1).
Identifiers: ClinVar variation 4999160 (VCV004999160.1).